The following is an entry in ClinVar:

ClinVar aggregate classification (germline): Uncertain significance (1 of 4 stars; one submission).

Allele frequency attached by ClinVar (database versions not stated): gnomAD 0.00002 and 0.00003; TOPMed 0.00004; 1000 Genomes Project 30x 0.00016; 1000 Genomes Project 0.00020.
gnomAD v4.1: 29 of 1,613,146 alleles (0.0018%); highest among the groups gnomAD compares: Admixed American, 0.0067%; no homozygotes.

Submission:

Labcorp Genetics (formerly Invitae), Labcorp
Classification: Uncertain significance. Last evaluated: 2022-09-01. Review status: criteria provided, single submitter. Criteria: Invitae Variant Classification Sherloc (09022015). Collection method: clinical testing. Allele origin: germline.
Comment: This variant has not been reported in the literature in individuals affected with TALDO1-related conditions. This variant is present in population databases (rs143237187, gnomAD 0.007%). This sequence change replaces arginine, which is basic and polar, with histidine, which is basic and polar, at codon 313 of the TALDO1 protein (p.Arg313His). ClinVar contains an entry for this variant (Variation ID: 1399460). In summary, the available evidence is currently insufficient to determine the role of this variant in disease. Therefore, it has been classified as a Variant of Uncertain Significance. Algorithms developed to predict the effect of missense changes on protein structure and function (SIFT, PolyPhen-2, Align-GVGD) all suggest that this variant is likely to be disruptive.

NM_006755.2(TALDO1):c.938G>A (p.Arg313His)

Gene: TALDO1 (transaldolase 1; plus strand). Cytogenetic location: 11p15.5.
Variant type: single nucleotide variant.
Coding change: c.938G>A on transcript NM_006755.2 (MANE Select); coding-DNA position 938, G replaced by A.
Protein change: p.Arg313His; replaces arginine 313 with histidine.
Molecular consequence: missense variant.
Genome position (GRCh38, 1-based): chr11:764,390, G>A. VCF-style: chr11-764390-G-A. GRCh37 (hg19) VCF-style: chr11-764390-G-A.
Other names: short protein forms R313H.
Identifiers: ClinVar variation 1399460 (VCV001399460.4), dbSNP rs143237187, ClinGen allele CA5788358.